The following is an entry in ClinVar:

NM_001018113.3(FANCB):c.1857_1858del (p.Arg619fs)

Gene: FANCB (FA complementation group B; minus strand). Cytogenetic location: Xp22.2.
Variant type: Microsatellite.
Coding change: c.1857_1858del on transcript NM_001018113.3 (MANE Select); coding-DNA positions 1857 to 1858, 2 bases deleted (AG; older notation c.1857_1858delAG).
Protein change: p.Arg619fs; shifts the reading frame from arginine 619.
Molecular consequence: frameshift variant.
Genome position (GRCh38, 1-based): chrX:14,844,925-14,844,926, CT deleted on the plus strand (AG on the coding strand, the reverse complement: FANCB is on the minus strand); deleting any 2 consecutive bases within chrX:14,844,925-14,844,928 gives the same sequence; the c. name uses the placement nearest the transcript's 3' end. VCF-style (leftmost placement, unchanged base first): chrX-14844924-ACT-A. GRCh37 (hg19) VCF-style: chrX-14863046-ACT-A.
Other names: c.1857_1858del (NM_001018113.1); c.1857_1858del, p.Arg619fs (NM_001324162.2, NM_152633.4); short protein forms R619fs.
Identifiers: ClinVar variation 37044 (VCV000037044.5), dbSNP rs1569083464, ClinGen allele CA913190833.
Genomic context (GRCh38, chrX:14,844,924, plus strand): 5'-TTCTTCTTTGGAAATGTCAGTAGGTACTTCCCAGTTGAAAGATCTTCTAGACTTAAAAAA[ACT>A]CTGCCACACACAACATAACGATCTTTAGGACAGTTACCACTTTCTCTCTCCATAATTTGT-3'

ClinVar aggregate classification (germline): Pathogenic. Review status: criteria provided, single submitter (1 of 4 stars). 3 submissions from 3 submitters: Pathogenic (1). 2 of the submissions do not count toward it. Last evaluated 2025-03-12.

Conditions:
Fanconi anemia complementation group B (FANCB). Also called: FANCONI PANCYTOPENIA, TYPE 2; FANCB-Related Fanconi Anemia. Identifiers: Orphanet 84, MedGen C1845292, MONDO:0010351, OMIM 300514.

Submissions (3):

GeneDx
Classification: Pathogenic. Last evaluated: 2025-03-12. Review status: criteria provided, single submitter. Criteria: GeneDx Variant Classification Process June 2021. Collection method: clinical testing. Allele origin: germline. Affected: yes.
Comment: Frameshift variant predicted to result in protein truncation or nonsense mediated decay in a gene for which loss of function is a known mechanism of disease; Not observed at significant frequency in large population cohorts (gnomAD); This variant is associated with the following publications: (PMID: 21910217)

Leiden Open Variation Database
Classification: Pathogenic for Fanconi anemia complementation group B. Last evaluated: 2020-02-28. Review status: no assertion criteria provided. Collection method: curation. Allele origin: germline. Affected: yes. Not counted in ClinVar's aggregate classification.
Comment: Curator: Arleen D. Auerbach. Submitter to LOVD: Arleen D. Auerbach.

OMIM
Classification: Pathogenic for FANCONI ANEMIA, COMPLEMENTATION GROUP B. Last evaluated: 2011-10-01. Review status: no assertion criteria provided. Collection method: literature only. Allele origin: germline. Not counted in ClinVar's aggregate classification.

Literature cited by the submitters: PubMed 21910217 (cited by Leiden Open Variation Database and OMIM).